The following is an entry in ClinVar:

ClinVar aggregate classification (germline): Uncertain significance (1 of 4 stars; one submission).

Submission:

GeneDx
Classification: Uncertain significance. Last evaluated: 2025-04-03. Review status: criteria provided, single submitter. Criteria: GeneDx Variant Classification Process June 2021. Collection method: clinical testing. Allele origin: germline. Affected: yes.
Comment: Not observed at significant frequency in large population cohorts (gnomAD); In silico analysis indicates that this missense variant does not alter protein structure/function; Has not been previously published as pathogenic or benign to our knowledge

NM_001829.4(CLCN3):c.691G>A (p.Val231Ile)

Gene: CLCN3 (chloride voltage-gated channel 3; plus strand). Cytogenetic location: 4q33.
Variant type: single nucleotide variant.
Coding change: c.691G>A on transcript NM_001829.4 (MANE Select); coding-DNA position 691, G replaced by A.
Protein change: p.Val231Ile; replaces valine 231 with isoleucine.
Molecular consequence: missense variant.
Genome position (GRCh38, 1-based): chr4:169,690,614, G>A. VCF-style: chr4-169690614-G-A. GRCh37 (hg19) VCF-style: chr4-170611765-G-A.
Other names: c.691G>A, p.Val231Ile (NM_001243372.2, NM_173872.4); c.610G>A, p.Val204Ile (NM_001243374.2); short protein forms V204I, V231I.
Identifiers: ClinVar variation 4278630 (VCV004278630.1).